The following is an entry in ClinVar:

NM_001276270.2(MBD4):c.110A>T (p.Glu37Val)

Gene: MBD4 (methyl-CpG binding domain 4, DNA glycosylase; minus strand). Cytogenetic location: 3q21.3.
Variant type: single nucleotide variant.
Coding change: c.110A>T on transcript NM_001276270.2 (MANE Select); coding-DNA position 110, A replaced by T.
Protein change: p.Glu37Val; replaces glutamic acid 37 with valine.
Molecular consequence: missense variant.
Genome position (GRCh38, 1-based): chr3:129,437,945, T>A on the plus strand (A>T on the coding strand, the complement: MBD4 is on the minus strand). VCF-style: chr3-129437945-T-A. GRCh37 (hg19) VCF-style: chr3-129156788-T-A.
Other names: c.110A>T, p.Glu37Val (NM_001276271.2, NM_001276272.2, NM_001276273.2 and 1 more transcripts); c.110A>T (NM_003925.2); short protein forms E37V.
Identifiers: ClinVar variation 2962535 (VCV002962535.6), dbSNP rs373011104, ClinGen allele CA2605602.

ClinVar aggregate classification (germline): Uncertain significance. Review status: criteria provided, multiple submitters, no conflicts (2 of 4 stars). 3 submissions from 3 submitters: Uncertain significance (3). Last evaluated 2026-03-22.

Conditions:
Inborn genetic diseases. Identifiers: MedGen C0950123, MeSH D030342.
MBD4-related disorder. Also called: MBD4-related condition.

Allele frequency attached by ClinVar (database versions not stated): ExAC 0.00003; TOPMed 0.00003; gnomAD exomes 0.00010; ESP Exome Variant Server 0.00023.

Submissions (3):

PreventionGenetics, part of Exact Sciences
Classification: Uncertain significance for MBD4-related condition. Last evaluated: 2026-03-22. Review status: criteria provided, single submitter. Criteria: ACMG Guidelines, 2015. Collection method: clinical testing. Allele origin: germline.
Comment: The MBD4 c.110A>T variant is predicted to result in the amino acid substitution p.Glu37Val. To our knowledge, this variant has not been reported in the literature. This variant is reported in 0.0085% of alleles in individuals of European (Non-Finnish) descent in gnomAD. This variant has an interpretation of uncertain significance in ClinVar (Variation ID: 2962535). At this time, the clinical significance of this variant is uncertain due to the absence of conclusive functional and genetic evidence.

Labcorp Genetics (formerly Invitae), Labcorp
Classification: Uncertain significance. Last evaluated: 2026-01-04. Review status: criteria provided, single submitter. Criteria: Invitae Variant Classification Sherloc (09022015). Collection method: clinical testing. Allele origin: germline.
Comment: This sequence change replaces glutamic acid, which is acidic and polar, with valine, which is neutral and non-polar, at codon 37 of the MBD4 protein (p.Glu37Val). This variant is present in population databases (rs373011104, gnomAD 0.01%). This variant has not been reported in the literature in individuals affected with MBD4-related conditions. ClinVar contains an entry for this variant (Variation ID: 2962535). An algorithm developed to predict the effect of missense changes on protein structure and function (PolyPhen-2) suggests that this variant is likely to be tolerated. In summary, the available evidence is currently insufficient to determine the role of this variant in disease. Therefore, it has been classified as a Variant of Uncertain Significance.

Ambry Genetics
Classification: Uncertain significance for Inborn genetic diseases. Last evaluated: 2025-08-01. Review status: criteria provided, single submitter. Criteria: Ambry Variant Classification Scheme 2023. Collection method: clinical testing. Allele origin: germline.